The following is an entry in ClinVar:

NM_001399.5(EDA):c.572del (p.Pro191fs)

Gene: EDA (ectodysplasin A; plus strand). Cytogenetic location: Xq13.1.
Variant type: Deletion.
Coding change: c.572del on transcript NM_001399.5 (MANE Select); coding-DNA position 572, one base deleted (C; older notation c.572delC).
Protein change: p.Pro191fs; shifts the reading frame from proline 191.
Molecular consequence: frameshift variant.
Genome position (GRCh38, 1-based): chrX:70,027,902, C deleted; the last of 5 consecutive C bases (chrX:70,027,898-70,027,902); deleting any one gives the same sequence. VCF-style (leftmost placement, unchanged base first): chrX-70027897-AC-A. GRCh37 (hg19) VCF-style: chrX-69247747-AC-A.
Other names: c.572del, p.Pro191fs (NM_001005609.2, NM_001005612.3); short protein forms P191fs.
Identifiers: ClinVar variation 2822020 (VCV002822020.3), dbSNP rs2147509613, ClinGen allele CA2693978769.

ClinVar aggregate classification (germline): Pathogenic (1 of 4 stars; one submission).

Conditions:
Hypohidrotic X-linked ectodermal dysplasia (XHED). Also called: ECTODERMAL DYSPLASIA 1; Anhidrotic ectodermal dysplasia X-linked; Christ Siemens Touraine syndrome; ECTODERMAL DYSPLASIA 1, HYPOHIDROTIC/HAIR/TOOTH TYPE, X-LINKED; ECTODERMAL DYSPLASIA 1, HYPOHIDROTIC, X-LINKED; ECTODERMAL DYSPLASIA, HYPOHIDROTIC, 1. Identifiers: Orphanet 181, Orphanet 238468, MedGen C0162359, MONDO:0010585, OMIM 305100.

Submission:

Labcorp Genetics (formerly Invitae), Labcorp
Classification: Pathogenic for Hypohidrotic X-linked ectodermal dysplasia. Last evaluated: 2023-02-16. Review status: criteria provided, single submitter. Criteria: Invitae Variant Classification Sherloc (09022015). Collection method: clinical testing. Allele origin: germline.
Comment: For these reasons, this variant has been classified as Pathogenic. This variant has not been reported in the literature in individuals affected with EDA-related conditions. This variant is not present in population databases (gnomAD no frequency). This sequence change creates a premature translational stop signal (p.Pro191Glnfs*89) in the EDA gene. It is expected to result in an absent or disrupted protein product. Loss-of-function variants in EDA are known to be pathogenic (PMID: 9683615).

Literature cited by the submitters: PubMed 9683615.